The following is an entry in ClinVar:

NM_003036.4(SKI):c.1581TGC[1] (p.Ala530del)

Gene: SKI (SKI proto-oncogene; plus strand). Cytogenetic location: 1p36.32.
Variant type: Microsatellite.
Coding change: c.1581TGC[1] on transcript NM_003036.4 (MANE Select); one copy of the 3-base unit TGC starting at c.1581; the reference has two copies in a row; one copy, 3 bases deleted.
Protein change: p.Ala530del; deletes alanine 530.
Molecular consequence: inframe deletion.
Genome position (GRCh38, 1-based): chr1:2,304,402-2,304,404, TGC deleted; deleting any 3 consecutive bases within chr1:2,304,399-2,304,404 gives the same sequence; the position shown is the placement nearest the transcript's 3' end. VCF-style (leftmost placement, unchanged base first): chr1-2304398-ATGC-A. GRCh37 (hg19) VCF-style: chr1-2235837-ATGC-A.
Other names: short protein forms A530del.
Identifiers: ClinVar variation 213704 (VCV000213704.6), dbSNP rs863223725, ClinGen allele CA321514.

ClinVar aggregate classification (germline): Uncertain significance. Review status: criteria provided, multiple submitters, no conflicts (2 of 4 stars). 2 submissions from 2 submitters: Uncertain significance (2). Last evaluated 2022-09-21.

Conditions:
Shprintzen-Goldberg syndrome (SGS). Also called: CRANIOSYNOSTOSIS WITH ARACHNODACTYLY AND ABDOMINAL HERNIAS; Marfanoid disorder with craniosynostosis type 1; Marfanoid craniosynostosis syndrome; Shprintzen-Goldberg marfanoid syndrome; SHPRINTZEN-GOLDBERG CRANIOSYNOSTOSIS SYNDROME. Identifiers: Orphanet 2462, MedGen C1321551, MONDO:0008426, OMIM 182212.

Submissions (2):

Labcorp Genetics (formerly Invitae), Labcorp
Classification: Uncertain significance for Shprintzen-Goldberg syndrome. Last evaluated: 2022-09-21. Review status: criteria provided, single submitter. Criteria: Invitae Variant Classification Sherloc (09022015). Collection method: clinical testing. Allele origin: germline.
Comment: This variant, c.1584_1586del, results in the deletion of 1 amino acid(s) of the SKI protein (p.Ala530del), but otherwise preserves the integrity of the reading frame. This variant is not present in population databases (gnomAD no frequency). This variant has not been reported in the literature in individuals affected with SKI-related conditions. Experimental studies and prediction algorithms are not available or were not evaluated, and the functional significance of this variant is currently unknown. In summary, the available evidence is currently insufficient to determine the role of this variant in disease. Therefore, it has been classified as a Variant of Uncertain Significance.

GeneDx
Classification: Uncertain significance. Last evaluated: 2015-05-05. Review status: criteria provided, single submitter. Criteria: GeneDx Variant Classification (06012015). Collection method: clinical testing. Allele origin: germline. Affected: yes.
Comment: The c.1584_1586delTGC variant was not observed in approximately 6,200 individuals of European and African American ancestry in the NHLBI Exome Sequencing Project, indicating it is not a common benign variant in these populations. This variant results in an in-frame deletion of one amino acid residue in exon 5 of the SKI gene. This residue is only moderately conserved across species and not located within any known functional domain. While two in-frame deletions in the SKI gene have been reported in association with Shprintzen-Goldberg syndrome, these deletions occur in exon 1, and no pathogenic variation has been reported in exon 5 (Carmignac et al., 2012; Doyle et al., 2012). However, it is still unclear whether this variant is a pathogenic mutation or a rare benign variant.